The following is an entry in ClinVar:

ClinVar aggregate classification (germline): Pathogenic. Review status: criteria provided, multiple submitters, no conflicts (2 of 4 stars). 9 submissions from 9 submitters: Pathogenic (7). 2 of the submissions do not count toward it. Last evaluated 2025-09-11.
ClinVar aggregate classification (oncogenicity): Oncogenic (1 of 4 stars; one submission).

Conditions:
Hereditary cancer-predisposing syndrome. Also called: Hereditary neoplastic syndrome; Tumor predisposition; Neoplastic Syndromes, Hereditary; Hereditary Cancer Syndrome. Identifiers: Orphanet 140162, MedGen C0027672, MeSH D009386, MONDO:0015356.
Familial adenomatous polyposis 1 (FAP1). Also called: POLYPOSIS, ADENOMATOUS INTESTINAL; FAMILIAL ADENOMATOUS POLYPOSIS 1, ATTENUATED. Identifiers: MedGen C2713442, MONDO:0021056, OMIM 175100. Disease mechanism: loss of function.
Malignant tumor of pancreas. Also called: Cancer of the pancreas; Pancreatic cancer; Malignant pancreatic neoplasm. Identifiers: MedGen C0346647, MONDO:0009831.
Carcinoma of colon (CRC). Also called: Colon carcinoma; Colonic carcinoma. Identifiers: MedGen C0699790, MONDO:0002032.
Neoplasm. Also called: Neoplasms; Neoplasm (disease); tumor. Identifiers: MedGen C0027651, MeSH D009369, MONDO:0005070, HP:0002664.

Submissions (10):

Center for Genomic Medicine, Rigshospitalet, Copenhagen University Hospital
Classification: Oncogenic for Neoplasm. Last evaluated: 2026-10-16. Review status: criteria provided, single submitter. Criteria: ClinGen/CGC/VICC Guidelines for Oncogenicity, 2022. Collection method: clinical testing. Allele origin: somatic. Affected: yes.

Ambry Genetics
Classification: Pathogenic for Hereditary cancer-predisposing syndrome. Last evaluated: 2025-09-11. Review status: criteria provided, single submitter. Criteria: Ambry Variant Classification Scheme 2023. Collection method: clinical testing. Allele origin: germline.
Comment: The c.4666dupA pathogenic mutation, located in coding exon 15 of the APC gene, results from a duplication of A at nucleotide position 4666, causing a translational frameshift with a predicted alternate stop codon (p.T1556Nfs*3). This alteration occurs at the 3' terminus of the gene, is not expected to trigger nonsense-mediated mRNA decay, and impacts the last 45% of the protein. However, premature stop codons are typically deleterious in nature and a significant portion of the protein is affected (Ambry internal data). This variant was reported in individual(s) with features consistent with APC-related familial adenomatous polyposis; in at least one individual, it was determined to be de novo (Kiessling P et al. Cold Spring Harb Mol Case Stud, 2019 Apr;5; Ambry internal data). This variant is considered to be rare based on population cohorts in the Genome Aggregation Database (gnomAD). As such, this alteration is interpreted as a disease-causing mutation.

Mayo Clinic Laboratories, Mayo Clinic
Classification: Pathogenic. Last evaluated: 2023-12-12. Review status: criteria provided, single submitter. Criteria: ACMG Guidelines, 2015. Collection method: clinical testing. Allele origin: germline.
Comment: PM2, PS2_supporting, PVS1

Myriad Genetics, Inc.
Classification: Pathogenic for Familial adenomatous polyposis 1. Last evaluated: 2023-05-11. Review status: criteria provided, single submitter. Criteria: Myriad Autosomal Dominant, Autosomal Recessive and X-Linked Classification Criteria (2023). Collection method: clinical testing. Allele origin: unknown.
Comment: This variant is considered pathogenic. This variant creates a frameshift predicted to result in premature protein truncation.

Labcorp Genetics (formerly Invitae), Labcorp
Classification: Pathogenic for Familial adenomatous polyposis 1. Last evaluated: 2023-04-08. Review status: criteria provided, single submitter. Criteria: Invitae Variant Classification Sherloc (09022015). Collection method: clinical testing. Allele origin: germline.
Comment: This sequence change creates a premature translational stop signal (p.Thr1556Asnfs*3) in the APC gene. While this is not anticipated to result in nonsense mediated decay, it is expected to disrupt the last 1288 amino acid(s) of the APC protein. For these reasons, this variant has been classified as Pathogenic. This variant is not present in population databases (gnomAD no frequency). This premature translational stop signal has been observed in individuals with familial adenomatous polyposis (PMID: 9101302, 11852337, 17411426, 19029688, 20685668, 20924072, 21110124, 26511139). It has also been observed to segregate with disease in related individuals. This variant is also known as 4663insA. ClinVar contains an entry for this variant (Variation ID: 428112). Algorithms developed to predict the effect of variants on protein structure and function are not available or were not evaluated for this variant. Experimental studies have shown that this premature translational stop signal affects APC function (PMID: 14633595). This variant is expected to disrupt the EB1 and HDLG binding sites, which mediate interactions with the cytoskeleton (PMID: 15311282, 17293347). While functional studies have not been performed to directly test the effect on APC protein function, this suggests that disruption of the C-terminal portion of the protein is functionally important. A different truncation (p.Tyr2645Lysfs*14) that lies downstream of this variant has been determined to be pathogenic (PMID: 9824584, 1316610, 27081525, 8381579, 22135120, Invitae). This suggests that deletion of this region of the APC protein is causative of disease.

Human Genetics Bochum, Ruhr University Bochum
Classification: Pathogenic for Familial adenomatous polyposis 1. Last evaluated: 2021-12-08. Review status: criteria provided, single submitter. Criteria: ACMG Guidelines, 2015. Collection method: clinical testing. Allele origin: germline. Affected: yes.
Comment: ACMG criteria used to clasify this variant: PVS1, PM2, PS4

Color Diagnostics, LLC DBA Color Health
Classification: Pathogenic for Hereditary cancer-predisposing syndrome. Last evaluated: 2021-06-01. Review status: criteria provided, single submitter. Criteria: ACMG Guidelines, 2015. Collection method: clinical testing. Allele origin: germline.
Comment: This variant inserts 1 nucleotide in exon 16 of the APC gene, creating a frameshift and premature translation stop signal. This variant is expected to result in an absent or non-functional protein product. To our knowledge, functional studies have not been performed for this variant. This variant has been reported in individuals affected with more than 10 patients with familial adenomatous polyposis (PMID: 15024739, 17411426, 22987206, 16134147, 11852337, 18433509, 20223039, 20685668, 24750145, 30696621). This variant has not been identified in the general population by the Genome Aggregation Database (gnomAD). Loss of APC function is a known mechanism of disease. Based on the available evidence, this variant is classified as Pathogenic.

National Molecular Genetics Centre of Cancer Research, N.N. Alexandrov National Cancer Centre of Belarus
Classification: Pathogenic for Familial adenomatous polyposis 1. Last evaluated: 2018-05-30. Review status: criteria provided, single submitter. Criteria: ACMG Guidelines, 2015. Collection method: clinical testing. Allele origin: germline. Affected: yes. Observed: 1 variant allele, 1 heterozygote.
Comment: Emory Genetics Laboratory Classification Definitions Pathogenic: a. Variants predicted to result in the loss of protein function in a gene for which this is a known mechanism of disease (may or may not have been previously reported in patients with disease) 1. frameshift (an insertion or deletion that is not a multiple of 3 nucleotides).

ClinVar Staff, National Center for Biotechnology Information (NCBI)
No classification provided. Condition: pancreatic cancer. Review status: no classification provided. Collection method: literature only. Allele origin: germline. Not counted in ClinVar's aggregate classification.

Department of Pathology and Laboratory Medicine, Sinai Health System
Classification: Pathogenic for Carcinoma of colon. Review status: no assertion criteria provided. Collection method: clinical testing. Allele origin: unknown. Affected: yes. Study: The Canadian Open Genetics Repository (COGR). Not counted in ClinVar's aggregate classification.
Comment: The APC p.Thr1556AsnfsX3 variant was identified in 18 of 4600 proband chromosomes (frequency: 0.004) from individuals or families with colorectal cancer, and was not identified in 150 control chromosomes from healthy individuals (Aceto 2005, Friedl 2005, Han 2011, Kanter-Smoler 2008, Kohoutova 2002, Liu 2007, Out 2015, Palacio_Rua 2014, Plawski 2008, Rivera 2011, Schwarzova 2013, Stekrova 2007, Vandrovcova 2004), however, an insufficient number of controls were included in these studies to determine the frequency of this variant in the general population. The variant was also identified in HGMD, InSiGHT Colon Cancer Gene Variant Database, â€šÃ„ÃºZhejiang Colon Cancer Databaseâ€šÃ„Ã¹ and UMD (7X as a un validated variant). The variant occurs outside of the splicing consensus sequence and in silico or computational prediction software programs (SpliceSiteFinder, MaxEntScan, NNSPLICE, GeneSplicer, HumanSpliceFinder) do not predict a difference in splicing. The p.Thr1556AsnfsX3 duplication variant is predicted to cause a frameshift, which alters the protein's amino acid sequence beginning at codon 1556 and leads to a premature stop codon 3 codons downstream. This alteration is then predicted to result in a truncated or absent protein and loss of function. Loss of function variants of the APC gene are an established mechanism of disease in familial adenomatous polyposis and is the type of variant expected to cause the disorder. In summary, based on the above information, this variant meets our laboratoryâ€šÃ„Ã´s criteria to be classified as pathogenic.

Literature cited by the submitters: PubMed 34352208 (cited by Center for Genomic Medicine, Rigshospitalet, Copenhagen University Hospital); PubMed 30696621 (cited by Ambry Genetics and Mayo Clinic Laboratories, Mayo Clinic); PubMed 9101302 (cited by Labcorp Genetics (formerly Invitae), Labcorp); PubMed 11852337 (cited by Labcorp Genetics (formerly Invitae), Labcorp); PubMed 17411426 (cited by Labcorp Genetics (formerly Invitae), Labcorp); PubMed 19029688 (cited by Labcorp Genetics (formerly Invitae), Labcorp); PubMed 20685668 (cited by Labcorp Genetics (formerly Invitae), Labcorp); PubMed 20924072 (cited by Labcorp Genetics (formerly Invitae), Labcorp); PubMed 21110124 (cited by Labcorp Genetics (formerly Invitae), Labcorp); PubMed 26511139 (cited by Labcorp Genetics (formerly Invitae), Labcorp); PubMed 14633595 (cited by Labcorp Genetics (formerly Invitae), Labcorp); PubMed 15311282 (cited by Labcorp Genetics (formerly Invitae), Labcorp); PubMed 17293347 (cited by Labcorp Genetics (formerly Invitae), Labcorp); PubMed 9824584 (cited by Labcorp Genetics (formerly Invitae), Labcorp); PubMed 1316610 (cited by Labcorp Genetics (formerly Invitae), Labcorp); PubMed 27081525 (cited by Labcorp Genetics (formerly Invitae), Labcorp); PubMed 8381579 (cited by Labcorp Genetics (formerly Invitae), Labcorp); PubMed 22135120 (cited by Labcorp Genetics (formerly Invitae), Labcorp); PubMed 36896836 (cited by ClinVar Staff, National Center for Biotechnology Information (NCBI)).

NM_000038.6(APC):c.4666dup (p.Thr1556fs)

Gene: APC (APC regulator of Wnt signaling pathway; plus strand). Cytogenetic location: 5q22.2.
Variant type: Duplication.
Coding change: c.4666dup on transcript NM_000038.6 (MANE Select); coding-DNA position 4666, one base duplicated (A; older notation c.4666dupA).
Protein change: p.Thr1556fs; shifts the reading frame from threonine 1556.
Molecular consequence: frameshift variant.
Genome position (GRCh38, 1-based): chr5:112,840,260, A duplicated; the last of 6 consecutive A bases (chr5:112,840,255-112,840,260); duplicating any one gives the same sequence. VCF-style (leftmost placement, unchanged base first): chr5-112840254-G-GA. GRCh37 (hg19) VCF-style: chr5-112175951-G-GA.
Other names: p.Thr1556AsnfsX3; c.4666dupA (NM_000038.5, NM_000038.6); c.4666dup, p.Thr1556fs (NM_001127510.3, NM_001354895.2); c.4612dup, p.Thr1538fs (NM_001127511.3); c.4720dup, p.Thr1574fs (NM_001354896.2); c.4696dup, p.Thr1566fs (NM_001354897.2); c.4591dup, p.Thr1531fs (NM_001354898.2); c.4582dup, p.Thr1528fs (NM_001354899.2); and 7 more; short protein forms T1273fs, T1465fs, T1515fs, T1538fs, T1574fs, T1396fs, T1455fs, T1497fs.
Identifiers: ClinVar variation 428112 (VCV000428112.32), dbSNP rs587783031, ClinGen allele CA16021317.
Genomic context (GRCh38, chr5:112,840,254, plus strand): 5'-GGGAATGAAACAGAATCAGAGCAGCCTAAAGAATCAAATGAAAACCAAGAGAAAGAGGCA[G>GA]AAAAAACTATTGATTCTGAAAAGGACCTATTAGATGATTCAGATGATGATGATATTGAAA-3'